The following is an entry in ClinVar:

ClinVar aggregate classification (germline): Likely pathogenic (1 of 4 stars; one submission).

Submission:

GeneDx
Classification: Likely pathogenic. Last evaluated: 2022-01-28. Review status: criteria provided, single submitter. Criteria: GeneDx Variant Classification Process June 2021. Collection method: clinical testing. Allele origin: germline. Affected: yes.
Comment: Canonical splice site variant predicted to result in a null allele in a gene for which loss-of-function is a known mechanism of disease; Not observed at significant frequency in large population cohorts (gnomAD); Has not been previously published as pathogenic or benign to our knowledge

NM_006618.5(KDM5B):c.808+2T>C

Gene: KDM5B (lysine demethylase 5B; minus strand). Cytogenetic location: 1q32.1.
Variant type: single nucleotide variant.
Coding change: c.808+2T>C on transcript NM_006618.5 (MANE Select); the canonical splice donor site of the intron after coding-DNA position 808, T replaced by C.
Molecular consequence: splice donor variant.
Genome position (GRCh38, 1-based): chr1:202,764,047, A>G on the plus strand (T>C on the coding strand, the complement: KDM5B is on the minus strand). VCF-style: chr1-202764047-A-G. GRCh37 (hg19) VCF-style: chr1-202733175-A-G.
Other names: c.793+2T>C (NM_001399817.1); c.673+2T>C (NM_001347591.2); c.916+2T>C (NM_001314042.2).
Identifiers: ClinVar variation 1699558 (VCV001699558.2), dbSNP rs2102278173, ClinGen allele CA344273912.